The following is an entry in ClinVar:

ClinVar aggregate classification (germline): Uncertain significance (1 of 4 stars; one submission).

Allele frequency attached by ClinVar (database versions not stated): gnomAD exomes below 0.00001.
gnomAD v4.1: 5 of 1,614,060 alleles (0.00031%); highest among the groups gnomAD compares: Non-Finnish European, 0.00042%; no homozygotes.

Submission:

Labcorp Genetics (formerly Invitae), Labcorp
Classification: Uncertain significance. Last evaluated: 2025-04-28. Review status: criteria provided, single submitter. Criteria: Invitae Variant Classification Sherloc (09022015). Collection method: clinical testing. Allele origin: germline.
Comment: This sequence change replaces methionine, which is neutral and non-polar, with valine, which is neutral and non-polar, at codon 132 of the RDH11 protein (p.Met132Val). This variant is not present in population databases (gnomAD no frequency). This variant has not been reported in the literature in individuals affected with RDH11-related conditions. ClinVar contains an entry for this variant (Variation ID: 1975788). An algorithm developed to predict the effect of missense changes on protein structure and function (PolyPhen-2) suggests that this variant is likely to be disruptive. In summary, the available evidence is currently insufficient to determine the role of this variant in disease. Therefore, it has been classified as a Variant of Uncertain Significance.

NM_016026.4(RDH11):c.394A>G (p.Met132Val)

Genes: GPHN (gephyrin; plus strand), RDH11 (retinol dehydrogenase 11; minus strand). Cytogenetic location: 14q24.1.
Variant type: single nucleotide variant.
Coding change: c.394A>G on transcript NM_016026.4 (MANE Select); coding-DNA position 394, A replaced by G.
Protein change: p.Met132Val; replaces methionine 132 with valine.
Molecular consequence: missense variant.
Genome position (GRCh38, 1-based): chr14:67,691,200, T>C on the plus strand (A>G on the coding strand, the complement: RDH11 is on the minus strand). VCF-style: chr14-67691200-T-C. GRCh37 (hg19) VCF-style: chr14-68157917-T-C.
Other names: c.394A>G, p.Met132Val (NM_001252650.2); short protein forms M132V.
Identifiers: ClinVar variation 1975788 (VCV001975788.5), dbSNP rs1283346401, ClinGen allele CA390135829.